The following is an entry in ClinVar:

ClinVar aggregate classification (germline): Uncertain significance. Review status: criteria provided, multiple submitters, no conflicts (2 of 4 stars). 2 submissions from 2 submitters: Uncertain significance (2). Last evaluated 2023-12-18.

Conditions:
Inborn genetic diseases. Identifiers: MedGen C0950123, MeSH D030342.
Congenital myasthenic syndrome 8. Also called: MYASTHENIC SYNDROME, CONGENITAL, DUE TO AGRIN DEFICIENCY; Myasthenic syndrome, congenital, 8, with pre- and postsynaptic defects. Identifiers: Orphanet 590, MedGen C3808739, MONDO:0014052, OMIM 615120.

Allele frequency attached by ClinVar (database versions not stated): gnomAD exomes 0.00002; TOPMed 0.00003.
gnomAD v4.1: 38 of 1,609,974 alleles (0.0024%); highest among the groups gnomAD compares: Admixed American, 0.01%; no homozygotes.

Submissions (2):

Ambry Genetics
Classification: Uncertain significance for Inborn genetic diseases. Last evaluated: 2023-12-18. Review status: criteria provided, single submitter. Criteria: Ambry Variant Classification Scheme 2023. Collection method: clinical testing. Allele origin: germline.

Labcorp Genetics (formerly Invitae), Labcorp
Classification: Uncertain significance for Congenital myasthenic syndrome 8. Last evaluated: 2022-08-16. Review status: criteria provided, single submitter. Criteria: Invitae Variant Classification Sherloc (09022015). Collection method: clinical testing. Allele origin: germline.
Comment: In summary, the available evidence is currently insufficient to determine the role of this variant in disease. Therefore, it has been classified as a Variant of Uncertain Significance. Algorithms developed to predict the effect of sequence changes on RNA splicing suggest that this variant may create or strengthen a splice site. Algorithms developed to predict the effect of missense changes on protein structure and function output the following: SIFT: "Tolerated"; PolyPhen-2: "Probably Damaging"; Align-GVGD: "Class C0". The serine amino acid residue is found in multiple mammalian species, which suggests that this missense change does not adversely affect protein function. This variant has not been reported in the literature in individuals affected with AGRN-related conditions. This variant is present in population databases (rs150061172, gnomAD 0.01%). This sequence change replaces glycine, which is neutral and non-polar, with serine, which is neutral and polar, at codon 629 of the AGRN protein (p.Gly629Ser).

NM_198576.4(AGRN):c.1885G>A (p.Gly629Ser)

Gene: AGRN (agrin; plus strand). Cytogenetic location: 1p36.33.
Variant type: single nucleotide variant.
Coding change: c.1885G>A on transcript NM_198576.4 (MANE Select); coding-DNA position 1885, G replaced by A.
Protein change: p.Gly629Ser; replaces glycine 629 with serine.
Molecular consequence: missense variant.
Genome position (GRCh38, 1-based): chr1:1,043,909, G>A. VCF-style: chr1-1043909-G-A. GRCh37 (hg19) VCF-style: chr1-979289-G-A.
Other names: c.1885G>A, p.Gly629Ser (NM_001305275.2); c.1570G>A, p.Gly524Ser (NM_001364727.2); c.1885G>A (NM_198576.3); short protein forms G629S, G524S.
Identifiers: ClinVar variation 2200812 (VCV002200812.4), dbSNP rs150061172, ClinGen allele CA508370.
Genomic context (GRCh38, chr1:1,043,909, plus strand): 5'-TTTGGGGCTGTGTGCTCCGCAGGGCAGTGTGTGTGTCCCCGGTGTGAGCACCCCCCGCCC[G>A]GCCCCGTGTGTGGCAGCGACGGTGTCACCTACGGCAGTGCCTGCGAGCTACGGGAAGCCG-3'
Protein context (NP_940978.2, residues 619-639): VCPRCEHPPP[Gly629Ser]PVCGSDGVTY